The following is an entry in ClinVar:

ClinVar aggregate classification (germline): Uncertain significance (1 of 4 stars; one submission).

gnomAD v4.1: 2 of 1,210,620 alleles (0.00017%); highest among the groups gnomAD compares: South Asian, 0.0018%; no homozygotes.

Submission:

GeneDx
Classification: Uncertain significance. Last evaluated: 2025-02-20. Review status: criteria provided, single submitter. Criteria: GeneDx Variant Classification Process June 2021. Collection method: clinical testing. Allele origin: germline. Affected: yes.
Comment: In silico analysis supports that this missense variant has a deleterious effect on protein structure/function; Has not been previously published as pathogenic or benign to our knowledge

NM_031407.7(HUWE1):c.2705A>G (p.Tyr902Cys)

Gene: HUWE1 (HECT, UBA and WWE domain containing E3 ubiquitin protein ligase 1; minus strand). Cytogenetic location: Xp11.22.
Variant type: single nucleotide variant.
Coding change: c.2705A>G on transcript NM_031407.7 (MANE Select); coding-DNA position 2705, A replaced by G.
Protein change: p.Tyr902Cys; replaces tyrosine 902 with cysteine.
Molecular consequence: missense variant.
Genome position (GRCh38, 1-based): chrX:53,604,626, T>C on the plus strand (A>G on the coding strand, the complement: HUWE1 is on the minus strand). VCF-style: chrX-53604626-T-C. GRCh37 (hg19) VCF-style: chrX-53631587-T-C.
Other names: c.2705A>G, p.Tyr902Cys (NM_001441048.1, NM_001441049.1, NM_001441051.1 and 6 more transcripts); c.2726A>G, p.Tyr909Cys (NM_001441050.1, NM_001441055.1); short protein forms Y902C, Y909C.
Identifiers: ClinVar variation 4076774 (VCV004076774.1).
Genomic context (GRCh38, chrX:53,604,626, plus strand): 5'-TTCACCCCTAAGGTTATTTTTACCTGTCCAACTCTGCAAGTATGAACAAACATCATGATG[T>C]AGGCATGGGCAGCAGTGAGTGCATGCAGCAGAGGTGTGGCCTGGGCTGAGAGGGTAGCAT-3'
Protein context (NP_113584.3, residues 892-912): LLHALTAAHA[Tyr902Cys]IMMFVHTCRV